The following is an entry in ClinVar:

ClinVar aggregate classification (germline): Benign. Review status: criteria provided, multiple submitters, no conflicts (2 of 4 stars). 2 submissions from 2 submitters: Benign (2). Last evaluated 2018-06-14.

Allele frequency attached by ClinVar (database versions not stated): gnomAD 0.24898 and 0.26219; TOPMed 0.25065; 1000 Genomes Project 30x 0.33432; 1000 Genomes Project 0.35064.
gnomAD v4.1: 145,704 of 465,332 alleles (31%); highest among the groups gnomAD compares: East Asian, 67%; 27,446 homozygotes.

Submissions (2):

GeneDx
Classification: Benign. Last evaluated: 2018-06-14. Review status: criteria provided, single submitter. Criteria: GeneDx Variant Classification (06012015). Collection method: clinical testing. Allele origin: germline. Affected: yes.
Comment: This variant is considered likely benign or benign based on one or more of the following criteria: it is a conservative change, it occurs at a poorly conserved position in the protein, it is predicted to be benign by multiple in silico algorithms, and/or has population frequency not consistent with disease.

Breakthrough Genomics
Classification: Benign. Review status: criteria provided, single submitter. Criteria: ACMG Guidelines, 2015. Collection method: not provided. Allele origin: germline. Inheritance: Autosomal recessive inheritance. Affected: yes.

NM_000016.6(ACADM):c.600-264A>G

Gene: ACADM (acyl-CoA dehydrogenase medium chain; plus strand). Cytogenetic location: 1p31.1.
Variant type: single nucleotide variant.
Coding change: c.600-264A>G on transcript NM_000016.6 (MANE Select); 264 bases into the intron before coding-DNA position 600, A replaced by G.
Molecular consequence: intron variant.
Genome position (GRCh38, 1-based): chr1:75,745,542, A>G. VCF-style: chr1-75745542-A-G. GRCh37 (hg19) VCF-style: chr1-76211227-A-G.
Other names: c.612-264A>G (NM_001127328.3); c.699-264A>G (NM_001286043.2); c.492-264A>G (NM_001286042.2); c.33-264A>G (NM_001286044.2).
Identifiers: ClinVar variation 682756 (VCV000682756.2), dbSNP rs12022011, ClinGen allele CA10985343.